The following is an entry in ClinVar:

NM_080546.5(SLC44A1):c.1554C>T (p.Ala518=)

Gene: SLC44A1 (solute carrier family 44 member 1; plus strand). Cytogenetic location: 9q31.1.
Variant type: single nucleotide variant.
Coding change: c.1554C>T on transcript NM_080546.5 (MANE Select); coding-DNA position 1554, C replaced by T.
Protein change: p.Ala518=; no amino-acid change (alanine 518 retained).
Molecular consequence: synonymous variant.
Genome position (GRCh38, 1-based): chr9:105,374,657, C>T. VCF-style: chr9-105374657-C-T. GRCh37 (hg19) VCF-style: chr9-108136938-C-T.
Other names: p.Ala518=; c.1554C>T, p.Ala518= (NM_001286730.2, NM_001330731.2).
Identifiers: ClinVar variation 3037620 (VCV003037620.13), dbSNP rs146164989, ClinGen allele CA5169965.

ClinVar aggregate classification (germline): Likely benign. Review status: criteria provided, multiple submitters, no conflicts (2 of 4 stars). 3 submissions from 3 submitters: Likely benign (2). 1 of the submissions does not count toward it. Last evaluated 2026-05-01.

Conditions:
SLC44A1-related disorder. Also called: SLC44A1-related condition.

Allele frequency attached by ClinVar (database versions not stated): 1000 Genomes Project 0.00040; 1000 Genomes Project 30x 0.00047; TOPMed 0.00156; ExAC 0.00167; gnomAD 0.00170; ESP Exome Variant Server 0.00192; gnomAD exomes 0.00262.
gnomAD v4.1: 4,088 of 1,613,804 alleles (0.25%); highest among the groups gnomAD compares: Non-Finnish European, 0.32%; 8 homozygotes.

Submissions (3):

CeGaT Center for Human Genetics Tuebingen
Classification: Likely benign. Last evaluated: 2026-05-01. Review status: criteria provided, single submitter. Criteria: CeGaT Center For Human Genetics Tuebingen Variant Classification Criteria Version 2. Collection method: clinical testing. Allele origin: germline. Affected: yes. Observed: 3 variant alleles.
Comment: SLC44A1: BP4, BS2

Mayo Clinic Laboratories, Mayo Clinic
Classification: Likely benign. Last evaluated: 2025-08-20. Review status: criteria provided, single submitter. Criteria: ACMG Guidelines, 2015. Collection method: clinical testing. Allele origin: germline. Observed: 3 variant alleles.
Comment: BS2, BP4, BP7

PreventionGenetics, part of Exact Sciences
Classification: Likely benign for SLC44A1-related condition. Last evaluated: 2019-03-01. Review status: no assertion criteria provided. Collection method: clinical testing. Allele origin: germline. Not counted in ClinVar's aggregate classification.
Comment: This variant is classified as likely benign based on ACMG/AMP sequence variant interpretation guidelines (Richards et al. 2015 PMID: 25741868, with internal and published modifications).